The following is an entry in ClinVar:

NM_001165963.4(SCN1A):c.5374G>A (p.Ala1792Thr)

Genes: SCN1A (sodium voltage-gated channel alpha subunit 1; minus strand), LOC102724058 (uncharacterized LOC102724058; plus strand). Cytogenetic location: 2q24.3.
Variant type: single nucleotide variant.
Coding change: c.5374G>A on transcript NM_001165963.4 (MANE Select); coding-DNA position 5374, G replaced by A.
Protein change: p.Ala1792Thr; replaces alanine 1792 with threonine.
Molecular consequence: missense variant. On other transcripts: non-coding transcript variant (1).
Genome position (GRCh38, 1-based): chr2:165,991,901, C>T on the plus strand (G>A on the coding strand, the complement: SCN1A is on the minus strand). VCF-style: chr2-165991901-C-T. GRCh37 (hg19) VCF-style: chr2-166848411-C-T.
Other names: c.5290G>A, p.Ala1764Thr (NM_001165964.3, NM_001353957.2, NM_001353958.2); c.5374G>A, p.Ala1792Thr (NM_001202435.3, NM_001353948.2); c.5341G>A, p.Ala1781Thr (NM_001353949.2, NM_001353950.2, NM_001353951.2 and 2 more transcripts); c.5338G>A, p.Ala1780Thr (NM_001353954.2, NM_001353955.2); c.5287G>A, p.Ala1763Thr (NM_001353960.2); c.2932G>A, p.Ala978Thr (NM_001353961.2); short protein forms A1780T, A1792T, A978T, A1764T, A1781T, A1763T.
Identifiers: ClinVar variation 1458250 (VCV001458250.7), dbSNP rs2105428686, ClinGen allele CA349067924.

ClinVar aggregate classification (germline): Pathogenic (1 of 4 stars; one submission).

Conditions:
Early-infantile DEE. Also called: Early infantile epileptic encephalopathy; Ohtahara syndrome; Early infantile epileptic encephalopathy with suppression bursts. Identifiers: Orphanet 1934, MedGen C0393706, MONDO:0800491.

Submission:

Labcorp Genetics (formerly Invitae), Labcorp
Classification: Pathogenic for Early-infantile DEE. Last evaluated: 2023-05-15. Review status: criteria provided, single submitter. Criteria: Invitae Variant Classification Sherloc (09022015). Collection method: clinical testing. Allele origin: germline.
Comment: This variant is not present in population databases (gnomAD no frequency). This sequence change replaces alanine, which is neutral and non-polar, with threonine, which is neutral and polar, at codon 1792 of the SCN1A protein (p.Ala1792Thr). This missense change has been observed in individual(s) with SCN1A-related conditions (PMID: 23195492). In at least one individual the variant was observed to be de novo. For these reasons, this variant has been classified as Pathogenic. Advanced modeling of protein sequence and biophysical properties (such as structural, functional, and spatial information, amino acid conservation, physicochemical variation, residue mobility, and thermodynamic stability) performed at Invitae indicates that this missense variant is expected to disrupt SCN1A protein function. ClinVar contains an entry for this variant (Variation ID: 1458250).

Literature cited by the submitters: PubMed 23195492.